The following is an entry in ClinVar:

NM_000077.5(CDKN2A):c.277A>G (p.Thr93Ala)

Gene: CDKN2A (cyclin dependent kinase inhibitor 2A; minus strand). Cytogenetic location: 9p21.3.
Variant type: single nucleotide variant.
Coding change: c.277A>G on transcript NM_000077.5; coding-DNA position 277, A replaced by G.
Protein change: p.Thr93Ala; replaces threonine 93 with alanine.
Molecular consequence: missense variant (on NM_000077.6). On other transcripts: 3 prime UTR variant (1).
Genome position (GRCh38, 1-based): chr9:21,971,082, T>C on the plus strand (A>G on the coding strand, the complement: CDKN2A is on the minus strand). VCF-style: chr9-21971082-T-C. GRCh37 (hg19) VCF-style: chr9-21971081-T-C.
Other names: c.277A>G, p.Thr93Ala (NM_000077.6, NM_001195132.2); c.124A>G, p.Thr42Ala (NM_001363763.2); c.320A>G, p.His107Arg (NM_058195.4); c.*200A>G (NM_058197.5); short protein forms H107R, T42A, T93A.
Identifiers: ClinVar variation 1795894 (VCV001795894.7), dbSNP rs2131094531, ClinGen allele CA373086165.

ClinVar aggregate classification (germline): Uncertain significance. Review status: criteria provided, multiple submitters, no conflicts (2 of 4 stars). 2 submissions from 2 submitters: Uncertain significance (2). Last evaluated 2022-06-02.

Conditions:
Familial melanoma. Also called: Hereditary melanoma; Hereditary cutaneous melanoma. Identifiers: Orphanet 618, MedGen C1512419, MONDO:0018961.
Hereditary cancer-predisposing syndrome. Also called: Hereditary neoplastic syndrome; Neoplastic Syndromes, Hereditary; Tumor predisposition; Hereditary Cancer Syndrome. Identifiers: Orphanet 140162, MedGen C0027672, MeSH D009386, MONDO:0015356.

Submissions (2):

Ambry Genetics
Classification: Uncertain significance for Hereditary cancer-predisposing syndrome. Last evaluated: 2022-06-02. Review status: criteria provided, single submitter. Criteria: Ambry Variant Classification Scheme 2023. Collection method: clinical testing. Allele origin: germline.
Comment: The p.T93A variant (also known as c.277A>G), located in coding exon 2 of the CDKN2A gene, results from an A to G substitution at nucleotide position 277. The threonine at codon 93 is replaced by alanine, an amino acid with similar properties. This amino acid position is highly conserved in available vertebrate species. In addition, the in silico prediction for this alteration is inconclusive. Since supporting evidence is limited at this time, the clinical significance of this alteration remains unclear.

Labcorp Genetics (formerly Invitae), Labcorp
Classification: Uncertain significance for Familial melanoma. Last evaluated: 2022-05-09. Review status: criteria provided, single submitter. Criteria: Invitae Variant Classification Sherloc (09022015). Collection method: clinical testing. Allele origin: germline.
Comment: In summary, the available evidence is currently insufficient to determine the role of this variant in disease. Therefore, it has been classified as a Variant of Uncertain Significance. Algorithms developed to predict the effect of missense changes on protein structure and function (SIFT, PolyPhen-2, Align-GVGD) all suggest that this variant is likely to be disruptive. This variant is also known as c.320A>G (p.His107Arg) in CDKN2A (p14ARF) transcript. This variant has not been reported in the literature in individuals affected with CDKN2A (p16INK4a)-related conditions. This variant is not present in population databases (gnomAD no frequency). This sequence change replaces threonine, which is neutral and polar, with alanine, which is neutral and non-polar, at codon 93 of the CDKN2A (p16INK4a) protein (p.Thr93Ala). The CDKN2A gene encodes two different proteins, p16INK4a and p14ARF, which are translated from alternative transcripts with different open reading frames. Both transcripts have been analyzed. We report either the variant with the higher classification or default to the CDKN2A (p16INK4a) variant. This report therefore includes the details for the CDKN2A (p16INK4a) variant.